The following is an entry in ClinVar:

ClinVar aggregate classification (germline): Conflicting classifications of pathogenicity. Review status: criteria provided, conflicting classifications (1 of 4 stars). 2 submissions from 2 submitters: Uncertain significance (1); Likely benign (1). Last evaluated 2024-01-01.

Allele frequency attached by ClinVar (database versions not stated): gnomAD 0.00001; gnomAD exomes 0.00002; TOPMed 0.00002; ExAC 0.00004; ESP Exome Variant Server 0.00008.
gnomAD v4.1: 31 of 1,568,406 alleles (0.002%); highest among the groups gnomAD compares: Non-Finnish European, 0.0023%; no homozygotes.

Submissions (2):

CeGaT Center for Human Genetics Tuebingen
Classification: Likely benign. Last evaluated: 2024-01-01. Review status: criteria provided, single submitter. Criteria: CeGaT Center For Human Genetics Tuebingen Variant Classification Criteria Version 2. Collection method: clinical testing. Allele origin: germline. Affected: yes. Observed: 1 variant allele.
Comment: BCL9: BP4

Ambry Genetics
Classification: Uncertain significance. Last evaluated: 2023-03-01. Review status: criteria provided, single submitter. Criteria: Ambry Variant Classification Scheme 2023. Collection method: clinical testing. Allele origin: germline.

NM_004326.4(BCL9):c.686A>G (p.Asn229Ser)

Gene: BCL9 (BCL9 transcription coactivator; plus strand). Cytogenetic location: 1q21.2.
Variant type: single nucleotide variant.
Coding change: c.686A>G on transcript NM_004326.4 (MANE Select); coding-DNA position 686, A replaced by G.
Protein change: p.Asn229Ser; replaces asparagine 229 with serine.
Molecular consequence: missense variant.
Genome position (GRCh38, 1-based): chr1:147,618,841, A>G. VCF-style: chr1-147618841-A-G. GRCh37 (hg19) VCF-style: chr1-147090647-A-G.
Other names: short protein forms N229S.
Identifiers: ClinVar variation 2466362 (VCV002466362.24), dbSNP rs149004972, ClinGen allele CA1064400.
Genomic context (GRCh38, chr1:147,618,841, plus strand): 5'-TACTAATGATTTTTAAACTATTTGTTTGTCTTCAGAACACACAGATATCTGCCCTTCGGA[A>G]TGATCCGAAACCTCTCCCACAACAGCCCCCAGCTCCGGCCAACCAGGACCAGAATTCTTC-3'
Protein context (NP_004317.2, residues 219-239): PLNTQISALR[Asn229Ser]DPKPLPQQPP